The following is an entry in ClinVar:

ClinVar aggregate classification (germline): Uncertain significance (1 of 4 stars; one submission).

Conditions:
Cowden syndrome (CS). Also called: Cowden's disease; Cowden's syndrome; Cowden disease. Identifiers: Orphanet 201, MedGen C0018553, MONDO:0016063. Disease mechanism: gain of function.

Submission:

Labcorp Genetics (formerly Invitae), Labcorp
Classification: Uncertain significance for Cowden syndrome. Last evaluated: 2018-10-14. Review status: criteria provided, single submitter. Criteria: Invitae Variant Classification Sherloc (09022015). Collection method: clinical testing. Allele origin: germline.
Comment: In summary, the available evidence is currently insufficient to determine the role of this variant in disease. Therefore, it has been classified as a Variant of Uncertain Significance. Nucleotide substitutions within the consensus splice site are a relatively common cause of aberrant splicing (PMID: 17576681, 9536098). Algorithms developed to predict the effect of sequence changes on RNA splicing suggest that this variant is not likely to affect RNA splicing, but this prediction has not been confirmed by published transcriptional studies. This variant has not been reported in the literature in individuals with PIK3CA-related disease. This variant is not present in population databases (ExAC no frequency). This sequence change falls in intron 18 of the PIK3CA gene. It does not directly change the encoded amino acid sequence of the PIK3CA protein, but it affects a nucleotide within the consensus splice site of the intron.

Literature cited by the submitters: PubMed 17576681; PubMed 9536098.

NM_006218.4(PIK3CA):c.2666+3G>A

Gene: PIK3CA (phosphatidylinositol-4,5-bisphosphate 3-kinase catalytic subunit alpha; plus strand). Cytogenetic location: 3q26.32.
Variant type: single nucleotide variant.
Coding change: c.2666+3G>A on transcript NM_006218.4 (MANE Select); 3 bases into the intron after coding-DNA position 2666, G replaced by A.
Molecular consequence: intron variant.
Genome position (GRCh38, 1-based): chr3:179,229,445, G>A. VCF-style: chr3-179229445-G-A. GRCh37 (hg19) VCF-style: chr3-178947233-G-A.
Other names: c.2666+3G>A (LRG_310t1).
Identifiers: ClinVar variation 663184 (VCV000663184.7), dbSNP rs1576947706, ClinGen allele CA915941089.